The following is an entry in ClinVar:

NM_019066.5(MAGEL2):c.1027C>T (p.Gln343Ter)

Gene: MAGEL2 (MAGE family member L2; minus strand). Cytogenetic location: 15q11.2.
Variant type: single nucleotide variant.
Coding change: c.1027C>T on transcript NM_019066.5 (MANE Select); coding-DNA position 1027, C replaced by T.
Protein change: p.Gln343Ter; replaces glutamine 343 with a stop codon.
Molecular consequence: nonsense.
Genome position (GRCh38, 1-based): chr15:23,646,716, G>A on the plus strand (C>T on the coding strand, the complement: MAGEL2 is on the minus strand). VCF-style: chr15-23646716-G-A. GRCh37 (hg19) VCF-style: chr15-23891863-G-A.
Other names: short protein forms Q343*.
Identifiers: ClinVar variation 5000826 (VCV005000826.1).
Genomic context (GRCh38, chr15:23,646,716, plus strand): 5'-CTAGCTGCGCTGGGGGTGCCTGCGGGCCCTGGGGAACCTGCGGAGGAGCCCTTATAACTT[G>A]AGACTGGATTTGCAGGATCAGAGGCTGAGCCTGCGGGGCCCAAGAAGCCATCGGCTGTGC-3'

ClinVar aggregate classification (germline): Likely pathogenic (1 of 4 stars; one submission).

Conditions:
MAGEL2-related disorder. Also called: MAGEL2-related condition.

Submission:

PreventionGenetics, part of Exact Sciences
Classification: Likely pathogenic for MAGEL2-related condition. Last evaluated: 2025-01-01. Review status: criteria provided, single submitter. Criteria: ACMG Guidelines, 2015. Collection method: clinical testing. Allele origin: germline.
Comment: The MAGEL2 c.1027C>T variant is predicted to result in premature protein termination (p.Gln343*). To our knowledge, this variant has not been reported in the literature or in a large population database (gnomAD), indicating this variant is rare. Nonsense variants in MAGEL2 are expected to be pathogenic. This variant is interpreted as likely pathogenic.